The following is an entry in ClinVar:

NM_017841.4(SDHAF2):c.327T>A (p.Ile109=)

Gene: SDHAF2 (succinate dehydrogenase complex assembly factor 2; plus strand). Cytogenetic location: 11q12.2.
Variant type: single nucleotide variant.
Coding change: c.327T>A on transcript NM_017841.4 (MANE Select); coding-DNA position 327, T replaced by A.
Protein change: p.Ile109=; no amino-acid change (isoleucine 109 retained).
Molecular consequence: synonymous variant.
Genome position (GRCh38, 1-based): chr11:61,438,070, T>A. VCF-style: chr11-61438070-T-A. GRCh37 (hg19) VCF-style: chr11-61205542-T-A.
Identifiers: ClinVar variation 532529 (VCV000532529.11), dbSNP rs757670376, ClinGen allele CA474802935.

ClinVar aggregate classification (germline): Benign/Likely benign. Review status: criteria provided, multiple submitters, no conflicts (2 of 4 stars). 3 submissions from 3 submitters: Benign (1); Likely benign (2). Last evaluated 2026-08-05.

Conditions:
Hereditary cancer-predisposing syndrome. Also called: Tumor predisposition; Neoplastic Syndromes, Hereditary; Hereditary Cancer Syndrome; Hereditary neoplastic syndrome. Identifiers: Orphanet 140162, MedGen C0027672, MeSH D009386, MONDO:0015356.
Hereditary pheochromocytoma and paraganglioma. Also called: Hereditary paragangliomas and pheochromocytomas; Hereditary Paraganglioma-Pheochromocytoma Syndromes; Hereditary pheochromocytoma-paraganglioma. Identifiers: Orphanet 29072, MedGen C4274332, MONDO:0017366.
Pheochromocytoma/paraganglioma syndrome 2. Also called: SDHAF2-Related Hereditary Paraganglioma-Pheochromocytoma Syndrome (Paragangliomas 2); Paragangliomas 2; SDHAF2-Related Hereditary Paraganglioma-Pheochromocytoma Syndrome; GLOMUS TUMORS, FAMILIAL, 2. Identifiers: Orphanet 29072, MedGen C1866552, MONDO:0011121, OMIM 601650.

Allele frequency attached by ClinVar (database versions not stated): TOPMed below 0.00001.

Submissions (3):

Myriad Genetics, Inc.
Classification: Benign for Pheochromocytoma/paraganglioma syndrome 2. Last evaluated: 2026-08-05. Review status: criteria provided, single submitter. Criteria: Myriad Autosomal Dominant, Autosomal Recessive and X-Linked Classification Criteria (2023). Collection method: clinical testing. Allele origin: unknown.
Comment: This variant is considered benign. This variant is a silent/synonymous amino acid change and it is not expected to impact splicing.

Labcorp Genetics (formerly Invitae), Labcorp
Classification: Likely benign for Hereditary pheochromocytoma and paraganglioma. Last evaluated: 2024-06-21. Review status: criteria provided, single submitter. Criteria: Invitae Variant Classification Sherloc (09022015). Collection method: clinical testing. Allele origin: germline.

Ambry Genetics
Classification: Likely benign for Hereditary cancer-predisposing syndrome. Last evaluated: 2023-08-24. Review status: criteria provided, single submitter. Criteria: Ambry Variant Classification Scheme 2023. Collection method: clinical testing. Allele origin: germline.